The following is an entry in ClinVar:

ClinVar aggregate classification (germline): Uncertain significance (1 of 4 stars; one submission).

Submission:

GeneDx
Classification: Uncertain significance. Last evaluated: 2025-04-18. Review status: criteria provided, single submitter. Criteria: GeneDx Variant Classification Process June 2021. Collection method: clinical testing. Allele origin: germline. Affected: yes.
Comment: In silico analysis indicates that this missense variant does not alter protein structure/function; Has not been previously published as pathogenic or benign to our knowledge

NM_001379200.1(TBX1):c.1429G>A (p.Ala477Thr)

Gene: TBX1 (T-box transcription factor 1; plus strand). Cytogenetic location: 22q11.21.
Variant type: single nucleotide variant.
Coding change: c.1429G>A on transcript NM_001379200.1 (MANE Select); coding-DNA position 1429, G replaced by A.
Protein change: p.Ala477Thr; replaces alanine 477 with threonine.
Molecular consequence: missense variant. On other transcripts: intron variant (2).
Genome position (GRCh38, 1-based): chr22:19,766,781, G>A. VCF-style: chr22-19766781-G-A. GRCh37 (hg19) VCF-style: chr22-19754304-G-A.
Other names: c.1402G>A, p.Ala468Thr (NM_080647.1); c.1009+779G>A (NM_005992.1, NM_080646.2); short protein forms A468T, A477T.
Identifiers: ClinVar variation 4282476 (VCV004282476.1).
Genomic context (GRCh38, chr22:19,766,781, plus strand): 5'-CCGCACGCGCATCCGCACCACCACCACCACCCCGTGAGTCCAGCCGCCGCGGCCGCCGCC[G>A]CCGCTGCCGCAGCTGCCGCGGCCGCCAACATGTACTCGTCGGCCGGAGCCGCGCCGCCCG-3'
Protein context (NP_001366129.1, residues 467-487): PVSPAAAAAA[Ala477Thr]AAAAAAAANM